The following is an entry in ClinVar:

ClinVar aggregate classification (germline): Uncertain significance. Review status: criteria provided, multiple submitters, no conflicts (2 of 4 stars). 2 submissions from 2 submitters: Uncertain significance (2). Last evaluated 2025-04-13.

Conditions:
Hereditary cancer-predisposing syndrome. Also called: Tumor predisposition; Neoplastic Syndromes, Hereditary; Hereditary Cancer Syndrome; Hereditary neoplastic syndrome. Identifiers: Orphanet 140162, MedGen C0027672, MeSH D009386, MONDO:0015356.
Hereditary breast ovarian cancer syndrome. Also called: Hereditary breast and ovarian cancer; Breast and ovarian cancer; Hereditary breast and/or ovarian cancer syndrome; Hereditary breast and ovarian cancer syndrome; BRCA1- and BRCA2-Associated Hereditary Breast and Ovarian Cancer; Hereditary breast and ovarian cancer syndrome (HBOC). Identifiers: Orphanet 145, MedGen C0677776, MeSH D061325, MONDO:0003582. Disease mechanism: loss of function.

gnomAD v4.1: 2 of 1,614,026 alleles (0.00012%); highest among the groups gnomAD compares: African/African-American, 0.0027%; no homozygotes.

Submissions (2):

Labcorp Genetics (formerly Invitae), Labcorp
Classification: Uncertain significance for Hereditary breast ovarian cancer syndrome. Last evaluated: 2025-04-13. Review status: criteria provided, single submitter. Criteria: Invitae Variant Classification Sherloc (09022015). Collection method: clinical testing. Allele origin: germline.
Comment: This sequence change replaces glutamic acid, which is acidic and polar, with glutamine, which is neutral and polar, at codon 2846 of the BRCA2 protein (p.Glu2846Gln). This variant is not present in population databases (gnomAD no frequency). This variant has not been reported in the literature in individuals affected with BRCA2-related conditions. ClinVar contains an entry for this variant (Variation ID: 3482203). Invitae Evidence Modeling of protein sequence and biophysical properties (such as structural, functional, and spatial information, amino acid conservation, physicochemical variation, residue mobility, and thermodynamic stability) indicates that this missense variant is not expected to disrupt BRCA2 protein function with a negative predictive value of 95%. In summary, the available evidence is currently insufficient to determine the role of this variant in disease. Therefore, it has been classified as a Variant of Uncertain Significance.

Ambry Genetics
Classification: Uncertain significance for Hereditary cancer-predisposing syndrome. Last evaluated: 2024-12-09. Review status: criteria provided, single submitter. Criteria: Ambry Variant Classification Scheme 2023. Collection method: clinical testing. Allele origin: germline.
Comment: The p.E2846Q variant (also known as c.8536G>C), located in coding exon 19 of the BRCA2 gene, results from a G to C substitution at nucleotide position 8536. The glutamic acid at codon 2846 is replaced by glutamine, an amino acid with highly similar properties. This amino acid position is not well conserved in available vertebrate species. In addition, the in silico prediction for this alteration is inconclusive. Based on the available evidence, the clinical significance of this variant remains unclear.

NM_000059.4(BRCA2):c.8536G>C (p.Glu2846Gln)

Gene: BRCA2 (BRCA2 DNA repair associated; plus strand). Cytogenetic location: 13q13.1.
Variant type: single nucleotide variant.
Coding change: c.8536G>C on transcript NM_000059.4 (MANE Select); coding-DNA position 8536, G replaced by C.
Protein change: p.Glu2846Gln; replaces glutamic acid 2846 with glutamine.
Molecular consequence: missense variant. On other transcripts: non-coding transcript variant (1).
Genome position (GRCh38, 1-based): chr13:32,371,004, G>C. VCF-style: chr13-32371004-G-C. GRCh37 (hg19) VCF-style: chr13-32945141-G-C.
Other names: c.8440G>C, p.Glu2814Gln (NM_001406719.1); c.8536G>C, p.Glu2846Gln (NM_001406720.1, NM_001432077.1); c.3604G>C, p.Glu1202Gln (NM_001406721.1); c.2119G>C, p.Glu707Gln (NM_001406722.1); short protein forms E2814Q, E1202Q, E2846Q, E707Q.
Identifiers: ClinVar variation 3482203 (VCV003482203.2).
Genomic context (GRCh38, chr13:32,371,004, plus strand): 5'-ACATTATTACAGTGGATGGAGAAGACATCATCTGGATTATACATATTTCGCAATGAAAGA[G>C]AGGAAGAAAAGGAAGCAGCAAAATATGTGGAGGCCCAACAAAAGAGACTAGAAGCCTTAT-3'
Protein context (NP_000050.3, residues 2836-2856): SGLYIFRNER[Glu2846Gln]EEKEAAKYVE